The following is an entry in ClinVar:

NM_001082486.2(ACD):c.1262C>A (p.Pro421His)

Gene: ACD (ACD shelterin complex subunit and telomerase recruitment factor; minus strand). Cytogenetic location: 16q22.1.
Variant type: single nucleotide variant.
Coding change: c.1262C>A on transcript NM_001082486.2 (MANE Select); coding-DNA position 1262, C replaced by A.
Protein change: p.Pro421His; replaces proline 421 with histidine.
Molecular consequence: missense variant.
Genome position (GRCh38, 1-based): chr16:67,657,798, G>T on the plus strand (C>A on the coding strand, the complement: ACD is on the minus strand). VCF-style: chr16-67657798-G-T. GRCh37 (hg19) VCF-style: chr16-67691701-G-T.
Other names: c.1175C>A, p.Pro392His (NM_001410884.1); c.1253C>A, p.Pro418His (NM_022914.3); short protein forms P392H, P418H, P421H.
Identifiers: ClinVar variation 3232645 (VCV003232645.1), dbSNP rs149418249, ClinGen allele CA396349885.

ClinVar aggregate classification (germline): Uncertain significance (1 of 4 stars; one submission).

Conditions:
Inborn genetic diseases. Identifiers: MedGen C0950123, MeSH D030342.

Submission:

Ambry Genetics
Classification: Uncertain significance for Inborn genetic diseases. Last evaluated: 2024-01-12. Review status: criteria provided, single submitter. Criteria: Ambry Variant Classification Scheme 2023. Collection method: clinical testing. Allele origin: germline.
Comment: The p.P507H variant (also known as c.1520C>A), located in coding exon 11 of the ACD gene, results from a C to A substitution at nucleotide position 1520. The proline at codon 507 is replaced by histidine, an amino acid with similar properties. This amino acid position is conserved. In addition, the in silico prediction for this alteration is inconclusive. Since supporting evidence is limited at this time, the clinical significance of this alteration remains unclear.